The following is an entry in ClinVar:

ClinVar aggregate classification (germline): Benign/Likely benign. Review status: criteria provided, multiple submitters, no conflicts (2 of 4 stars). 3 submissions from 3 submitters: Benign (1); Likely benign (2). Last evaluated 2026-01-19.

Allele frequency attached by ClinVar (database versions not stated): ESP Exome Variant Server 0.00008; gnomAD 0.00056 and 0.00082; gnomAD exomes 0.00099 and 0.00163; TOPMed 0.00102; ExAC 0.00164; 1000 Genomes Project 30x 0.00328; 1000 Genomes Project 0.00379.
gnomAD v4.1: 1,554 of 1,614,124 alleles (0.096%); highest among the groups gnomAD compares: East Asian, 2.8%; 18 homozygotes.

Submissions (3):

Labcorp Genetics (formerly Invitae), Labcorp
Classification: Benign. Last evaluated: 2026-01-19. Review status: criteria provided, single submitter. Criteria: Invitae Variant Classification Sherloc (09022015). Collection method: clinical testing. Allele origin: germline.

Blueprint Genetics
Classification: Likely benign. Last evaluated: 2024-10-03. Review status: criteria provided, single submitter. Criteria: ACMG Guidelines, 2015. Collection method: clinical testing. Allele origin: germline.

GeneDx
Classification: Likely benign. Last evaluated: 2023-03-23. Review status: criteria provided, single submitter. Criteria: GeneDx Variant Classification Process June 2021. Collection method: clinical testing. Allele origin: germline. Affected: yes.
Comment: See Variant Classification Assertion Criteria.

NM_198334.3(GANAB):c.518G>A (p.Arg173Gln)

Gene: GANAB (glucosidase II alpha subunit; minus strand). Cytogenetic location: 11q12.3.
Variant type: single nucleotide variant.
Coding change: c.518G>A on transcript NM_198334.3 (MANE Select); coding-DNA position 518, G replaced by A.
Protein change: p.Arg173Gln; replaces arginine 173 with glutamine.
Molecular consequence: missense variant. On other transcripts: 5 prime UTR variant (2).
Genome position (GRCh38, 1-based): chr11:62,634,863, C>T on the plus strand (G>A on the coding strand, the complement: GANAB is on the minus strand). VCF-style: chr11-62634863-C-T. GRCh37 (hg19) VCF-style: chr11-62402335-C-T.
Other names: c.176G>A, p.Arg59Gln (NM_001278192.2, NM_001278193.2); c.227G>A, p.Arg76Gln (NM_001278194.2, NM_001329222.2, NM_001329223.2); c.-259G>A (NM_001329224.2, NM_001329225.2); c.518G>A, p.Arg173Gln (NM_198335.4); short protein forms R76Q, R173Q, R59Q.
Identifiers: ClinVar variation 719219 (VCV000719219.14), dbSNP rs2276295, ClinGen allele CA6051080.